The following is an entry in ClinVar:

ClinVar aggregate classification (germline): Uncertain significance (0 of 4 stars; one submission).

Conditions:
COQ7-related disorder. Also called: COQ7-related condition.

gnomAD v4.1: 1 of 1,614,096 alleles (0.000062%); highest among the groups gnomAD compares: Non-Finnish European, 0.000085%; no homozygotes.

Submission:

PreventionGenetics, part of Exact Sciences
Classification: Uncertain significance for COQ7-related condition. Last evaluated: 2024-05-08. Review status: no assertion criteria provided. Collection method: clinical testing. Allele origin: germline.
Comment: The COQ7 c.252+1G>T variant is predicted to disrupt the GT donor site and interfere with normal splicing. To our knowledge, this variant has not been reported in the literature or in a large population database, indicating this variant is rare. At this time, the clinical significance of this variant is uncertain due to the absence of conclusive functional and genetic evidence.

NM_016138.5(COQ7):c.252+1G>T

Gene: COQ7 (coenzyme Q7, hydroxylase; plus strand). Cytogenetic location: 16p12.3.
Variant type: single nucleotide variant.
Coding change: c.252+1G>T on transcript NM_016138.5 (MANE Select); the canonical splice donor site of the intron after coding-DNA position 252, G replaced by T.
Molecular consequence: splice donor variant.
Genome position (GRCh38, 1-based): chr16:19,072,107, G>T. VCF-style: chr16-19072107-G-T. GRCh37 (hg19) VCF-style: chr16-19083429-G-T.
Other names: c.252+1G>T (NM_001370490.1); c.138+1G>T (NM_001370494.1, NM_001190983.2, NM_001370495.1 and 2 more transcripts); c.210+1G>T (NM_001370489.1, NM_001370491.1).
Identifiers: ClinVar variation 3356962 (VCV003356962.1).